The following is an entry in ClinVar:

ClinVar aggregate classification (germline): Uncertain significance (1 of 4 stars; one submission).

Conditions:
Ethylmalonic encephalopathy (EE). Also called: Syndrome of encephalopathy, petechiae, and ethylmalonic aciduria; EPEMA syndrome; Encephalopathy, petechiae, and ethylmalonic aciduria. Identifiers: Orphanet 51188, MedGen C1865349, MONDO:0011229, OMIM 602473. Disease mechanism: loss of function.

Allele frequency attached by ClinVar (database versions not stated): gnomAD 0.00001.

Submission:

Labcorp Genetics (formerly Invitae), Labcorp
Classification: Uncertain significance for Ethylmalonic encephalopathy. Last evaluated: 2022-02-04. Review status: criteria provided, single submitter. Criteria: Invitae Variant Classification Sherloc (09022015). Collection method: clinical testing. Allele origin: germline.
Comment: This sequence change replaces serine, which is neutral and polar, with asparagine, which is neutral and polar, at codon 106 of the ETHE1 protein (p.Ser106Asn). This variant is not present in population databases (gnomAD no frequency). This variant has not been reported in the literature in individuals affected with ETHE1-related conditions. ClinVar contains an entry for this variant (Variation ID: 1001247). In summary, the available evidence is currently insufficient to determine the role of this variant in disease. Therefore, it has been classified as a Variant of Uncertain Significance. Advanced modeling of protein sequence and biophysical properties (such as structural, functional, and spatial information, amino acid conservation, physicochemical variation, residue mobility, and thermodynamic stability) performed at Invitae indicates that this missense variant is not expected to disrupt ETHE1 protein function.

NM_014297.5(ETHE1):c.317G>A (p.Ser106Asn)

Gene: ETHE1 (ETHE1 persulfide dioxygenase; minus strand). Cytogenetic location: 19q13.31.
Variant type: single nucleotide variant.
Coding change: c.317G>A on transcript NM_014297.5 (MANE Select); coding-DNA position 317, G replaced by A.
Protein change: p.Ser106Asn; replaces serine 106 with asparagine.
Molecular consequence: missense variant. On other transcripts: intron variant (2).
Genome position (GRCh38, 1-based): chr19:43,526,259, C>T on the plus strand (G>A on the coding strand, the complement: ETHE1 is on the minus strand). VCF-style: chr19-43526259-C-T. GRCh37 (hg19) VCF-style: chr19-44030411-C-T.
Other names: c.284G>A, p.Ser95Asn (NM_001320867.2); c.81+838G>A (NM_001320869.2); c.6+256G>A (NM_001320868.2); short protein forms S106N, S95N.
Identifiers: ClinVar variation 1001247 (VCV001001247.5), dbSNP rs886054480, ClinGen allele CA308753561.
Genomic context (GRCh38, chr19:43,526,259, plus strand): 5'-ACGAAGCGCCCGAAGCGGATGGAGTCTCCATCCTCAATGTGTAAGTCAGCCTGGGCCCCA[C>T]TAAGGCGGGAGATGACAGACTGGCAGCCAGGGAGGAGGGAACGGAGCAGCCCCGAGCCTG-3'
Protein context (NP_055112.2, residues 96-116): PGCQSVISRL[Ser106Asn]GAQADLHIED